The following is an entry in ClinVar:

NM_004260.4(RECQL4):c.3070A>G (p.Thr1024Ala)

Gene: RECQL4 (RecQ like helicase 4; minus strand). Cytogenetic location: 8q24.3.
Variant type: single nucleotide variant.
Coding change: c.3070A>G on transcript NM_004260.4 (MANE Select); coding-DNA position 3070, A replaced by G.
Protein change: p.Thr1024Ala; replaces threonine 1024 with alanine.
Molecular consequence: missense variant.
Genome position (GRCh38, 1-based): chr8:144,512,310, T>C on the plus strand (A>G on the coding strand, the complement: RECQL4 is on the minus strand). VCF-style: chr8-144512310-T-C. GRCh37 (hg19) VCF-style: chr8-145737693-T-C.
Other names: c.1999A>G, p.Thr667Ala (NM_001413035.1, NM_001413040.1, NM_001413021.1 and 4 more transcripts); c.2008A>G, p.Thr670Ala (NM_001413041.1); c.1969A>G, p.Thr657Ala (NM_001413042.1); c.1603A>G, p.Thr535Ala (NM_001413043.1); c.3070A>G, p.Thr1024Ala (NM_001413036.1); c.1867A>G, p.Thr623Ala (NM_001413037.1); c.1801A>G, p.Thr601Ala (NM_001413038.1, NM_001413031.1); c.3040A>G, p.Thr1014Ala (NM_001413039.1); and 9 more; short protein forms T1049A, T623A, T692A, T926A, T958A, T1024A, T645A, T657A.
Identifiers: ClinVar variation 2131010 (VCV002131010.4), dbSNP rs1454305448, ClinGen allele CA372670870.

ClinVar aggregate classification (germline): Uncertain significance (1 of 4 stars; one submission).

Conditions:
Baller-Gerold syndrome (BGS). Also called: CRANIOSYNOSTOSIS WITH RADIAL DEFECTS. Identifiers: Orphanet 1225, MedGen C0265308, MONDO:0009039, OMIM 218600.

Submission:

Labcorp Genetics (formerly Invitae), Labcorp
Classification: Uncertain significance for Baller-Gerold syndrome. Last evaluated: 2022-04-28. Review status: criteria provided, single submitter. Criteria: Invitae Variant Classification Sherloc (09022015). Collection method: clinical testing. Allele origin: germline.
Comment: In summary, the available evidence is currently insufficient to determine the role of this variant in disease. Therefore, it has been classified as a Variant of Uncertain Significance. Experimental studies and prediction algorithms are not available or were not evaluated, and the functional significance of this variant is currently unknown. This variant has not been reported in the literature in individuals affected with RECQL4-related conditions. This variant is not present in population databases (gnomAD no frequency). This sequence change replaces threonine, which is neutral and polar, with alanine, which is neutral and non-polar, at codon 1024 of the RECQL4 protein (p.Thr1024Ala).